The following is an entry in ClinVar:

ClinVar aggregate classification (germline): Uncertain significance. Review status: criteria provided, multiple submitters, no conflicts (2 of 4 stars). 2 submissions from 2 submitters: Uncertain significance (2). Last evaluated 2025-11-24.

Conditions:
CD36-related disorder. Also called: CD36-related disorders; CD36-related condition.

Allele frequency attached by ClinVar (database versions not stated): gnomAD exomes 0.00001; TOPMed 0.00009; ExAC 0.00011; gnomAD 0.00011; ESP Exome Variant Server 0.00023.

Submissions (2):

PreventionGenetics, part of Exact Sciences
Classification: Uncertain significance for CD36-related condition. Last evaluated: 2025-11-24. Review status: criteria provided, single submitter. Criteria: ACMG Guidelines, 2015. Collection method: clinical testing. Allele origin: germline.
Comment: The CD36 c.745A>G variant is predicted to result in the amino acid substitution p.Thr249Ala. To our knowledge, this variant has not been reported in the literature. This variant is reported in 0.10% of alleles in individuals of East Asian descent in gnomAD. Although we suspect that this variant may be benign, at this time, the clinical significance of this variant is uncertain due to the absence of conclusive functional and genetic evidence.

Ambry Genetics
Classification: Uncertain significance. Last evaluated: 2024-01-16. Review status: criteria provided, single submitter. Criteria: Ambry Variant Classification Scheme 2023. Collection method: clinical testing. Allele origin: germline.

NM_001001548.3(CD36):c.745A>G (p.Thr249Ala)

Gene: CD36 (CD36 molecule (CD36 blood group); plus strand). Cytogenetic location: 7q21.11.
Variant type: single nucleotide variant.
Coding change: c.745A>G on transcript NM_001001548.3 (MANE Select); coding-DNA position 745, A replaced by G.
Protein change: p.Thr249Ala; replaces threonine 249 with alanine.
Molecular consequence: missense variant. On other transcripts: non-coding transcript variant (1), intron variant (1).
Genome position (GRCh38, 1-based): chr7:80,666,486, A>G. VCF-style: chr7-80666486-A-G. GRCh37 (hg19) VCF-style: chr7-80295802-A-G.
Other names: c.745A>G, p.Thr249Ala (NM_000072.3, NM_001001547.3, NM_001127443.2 and 5 more transcripts); c.565A>G, p.Thr189Ala (NM_001289909.1); c.517A>G, p.Thr173Ala (NM_001289911.2); c.643A>G, p.Thr215Ala (NM_001371079.1); c.280A>G, p.Thr94Ala (NM_001371080.1, NM_001371081.1); c.701+1989A>G (NM_001289908.1); short protein forms T173A, T189A, T215A, T249A, T94A.
Identifiers: ClinVar variation 3140571 (VCV003140571.2), dbSNP rs145187459, ClinGen allele CA4315367.